The following is an entry in ClinVar:

NM_001353345.2(SETD1B):c.1371C>G (p.Pro457=)

Gene: SETD1B (SET domain containing 1B, histone lysine methyltransferase; plus strand). Cytogenetic location: 12q24.31.
Variant type: single nucleotide variant.
Coding change: c.1371C>G on transcript NM_001353345.2 (MANE Select); coding-DNA position 1371, C replaced by G.
Protein change: p.Pro457=; no amino-acid change (proline 457 retained).
Molecular consequence: synonymous variant.
Genome position (GRCh38, 1-based): chr12:121,810,316, C>G. VCF-style: chr12-121810316-C-G. GRCh37 (hg19) VCF-style: chr12-122248222-C-G.
Identifiers: ClinVar variation 4534665 (VCV004534665.6).

ClinVar aggregate classification (germline): Likely benign (1 of 4 stars; one submission).

gnomAD v4.1: 3 of 1,544,210 alleles (0.00019%); highest among the groups gnomAD compares: Admixed American, 0.0039%; no homozygotes.

Submission:

CeGaT Center for Human Genetics Tuebingen
Classification: Likely benign. Last evaluated: 2025-10-01. Review status: criteria provided, single submitter. Criteria: CeGaT Center For Human Genetics Tuebingen Variant Classification Criteria Version 2. Collection method: clinical testing. Allele origin: germline. Affected: yes. Observed: 1 variant allele.
Comment: SETD1B: BP4, BP7